The following is an entry in ClinVar:

NM_007034.5(DNAJB4):c.98C>T (p.Pro33Leu)

Gene: DNAJB4 (DnaJ heat shock protein family (Hsp40) member B4; plus strand). Cytogenetic location: 1p31.1.
Variant type: single nucleotide variant.
Coding change: c.98C>T on transcript NM_007034.5 (MANE Select); coding-DNA position 98, C replaced by T.
Protein change: p.Pro33Leu; replaces proline 33 with leucine.
Molecular consequence: missense variant. On other transcripts: intron variant (3).
Genome position (GRCh38, 1-based): chr1:78,005,208, C>T. VCF-style: chr1-78005208-C-T. GRCh37 (hg19) VCF-style: chr1-78470892-C-T.
Other names: c.98C>T, p.Pro33Leu (NM_001317099.2, NM_001317103.2); c.92-7843C>T (NM_001317100.2); c.-134-7843C>T (NM_001317101.2, NM_001317102.2); short protein forms P33L.
Identifiers: ClinVar variation 3344647 (VCV003344647.1).

ClinVar aggregate classification (germline): Uncertain significance (0 of 4 stars; one submission).

Conditions:
DNAJB4-related disorder. Also called: DNAJB4-related condition.

gnomAD v4.1: 3 of 1,613,828 alleles (0.00019%); highest among the groups gnomAD compares: Non-Finnish European, 0.00025%; no homozygotes.

Submission:

PreventionGenetics, part of Exact Sciences
Classification: Uncertain significance for DNAJB4-related condition. Last evaluated: 2024-06-01. Review status: no assertion criteria provided. Collection method: clinical testing. Allele origin: germline.
Comment: The DNAJB4 c.98C>T variant is predicted to result in the amino acid substitution p.Pro33Leu. To our knowledge, this variant has not been reported in the literature or in a large population database, indicating this variant is rare. At this time, the clinical significance of this variant is uncertain due to the absence of conclusive functional and genetic evidence.